The following is an entry in ClinVar:

NM_001283009.2(RTEL1):c.307T>C (p.Tyr103His)

Genes: RTEL1 (regulator of telomere elongation helicase 1; plus strand), RTEL1-TNFRSF6B (RTEL1-TNFRSF6B readthrough (NMD candidate); plus strand). Cytogenetic location: 20q13.33.
Variant type: single nucleotide variant.
Coding change: c.307T>C on transcript NM_001283009.2 (MANE Select); coding-DNA position 307, T replaced by C.
Protein change: p.Tyr103His; replaces tyrosine 103 with histidine.
Molecular consequence: missense variant. On other transcripts: non-coding transcript variant (1), 5 prime UTR variant (1).
Genome position (GRCh38, 1-based): chr20:63,661,855, T>C. VCF-style: chr20-63661855-T-C. GRCh37 (hg19) VCF-style: chr20-62293208-T-C.
Other names: c.-363T>C (NM_001283010.1); c.307T>C, p.Tyr103His (NM_016434.4, NM_032957.5); short protein forms Y103H.
Identifiers: ClinVar variation 2147566 (VCV002147566.4), dbSNP rs1421652684, ClinGen allele CA409668523.

ClinVar aggregate classification (germline): Uncertain significance. Review status: criteria provided, multiple submitters, no conflicts (2 of 4 stars). 2 submissions from 2 submitters: Uncertain significance (2). Last evaluated 2025-08-30.

Conditions:
Inborn genetic diseases. Identifiers: MedGen C0950123, MeSH D030342.
Pulmonary fibrosis and/or bone marrow failure, Telomere-related, 3. Also called: PULMONARY FIBROSIS AND/OR BONE MARROW FAILURE SYNDROME, TELOMERE-RELATED, 3. Identifiers: Orphanet 2032, MedGen C4225346, MONDO:0014613, OMIM 616373.
Dyskeratosis congenita, autosomal recessive 5 (DKCB5). Identifiers: MedGen C3554656, MONDO:0014076, OMIM 615190.

Allele frequency attached by ClinVar (database versions not stated): gnomAD exomes below 0.00001.
gnomAD v4.1: 3 of 1,614,084 alleles (0.00019%); highest among the groups gnomAD compares: East Asian, 0.0045%; no homozygotes.

Submissions (2):

Labcorp Genetics (formerly Invitae), Labcorp
Classification: Uncertain significance for Dyskeratosis congenita, autosomal recessive 5; Pulmonary fibrosis and/or bone marrow failure, Telomere-related, 3. Last evaluated: 2025-08-30. Review status: criteria provided, single submitter. Criteria: Invitae Variant Classification Sherloc (09022015). Collection method: clinical testing. Allele origin: germline.
Comment: This sequence change replaces tyrosine, which is neutral and polar, with histidine, which is basic and polar, at codon 103 of the RTEL1 protein (p.Tyr103His). This variant is present in population databases (no rsID available, gnomAD 0.006%). This variant has not been reported in the literature in individuals affected with RTEL1-related conditions. ClinVar contains an entry for this variant (Variation ID: 2147566). An algorithm developed to predict the effect of missense changes on protein structure and function (PolyPhen-2) suggests that this variant is likely to be disruptive. In summary, the available evidence is currently insufficient to determine the role of this variant in disease. Therefore, it has been classified as a Variant of Uncertain Significance.

Ambry Genetics
Classification: Uncertain significance for Inborn genetic diseases. Last evaluated: 2024-12-01. Review status: criteria provided, single submitter. Criteria: Ambry Variant Classification Scheme 2023. Collection method: clinical testing. Allele origin: germline.
Comment: The p.Y103H variant (also known as c.307T>C), located in coding exon 3 of the RTEL1 gene, results from a T to C substitution at nucleotide position 307. The tyrosine at codon 103 is replaced by histidine, an amino acid with similar properties. This amino acid position is conserved. In addition, the in silico prediction for this alteration is inconclusive. Based on the available evidence, the clinical significance of this variant remains unclear.